The following is an entry in ClinVar:

ClinVar aggregate classification (germline): Pathogenic (1 of 4 stars; one submission).

gnomAD v4.1: 2 of 1,614,104 alleles (0.00012%); highest among the groups gnomAD compares: Admixed American, 0.0017%; no homozygotes.

Submission:

Labcorp Genetics (formerly Invitae), Labcorp
Classification: Pathogenic. Last evaluated: 2024-11-22. Review status: criteria provided, single submitter. Criteria: Invitae Variant Classification Sherloc (09022015). Collection method: clinical testing. Allele origin: germline.
Comment: This sequence change creates a premature translational stop signal (p.Gln395*) in the SLCO2A1 gene. It is expected to result in an absent or disrupted protein product. Loss-of-function variants in SLCO2A1 are known to be pathogenic (PMID: 22553128, 23509104). This variant is present in population databases (no rsID available, gnomAD 0.003%). This variant has not been reported in the literature in individuals affected with SLCO2A1-related conditions. For these reasons, this variant has been classified as Pathogenic.

Literature cited by the submitters: PubMed 22553128; PubMed 23509104.

NM_005630.3(SLCO2A1):c.1183C>T (p.Gln395Ter)

Gene: SLCO2A1 (solute carrier organic anion transporter family member 2A1; minus strand). Cytogenetic location: 3q22.1.
Variant type: single nucleotide variant.
Coding change: c.1183C>T on transcript NM_005630.3 (MANE Select); coding-DNA position 1183, C replaced by T.
Protein change: p.Gln395Ter; replaces glutamine 395 with a stop codon.
Molecular consequence: nonsense.
Genome position (GRCh38, 1-based): chr3:133,947,368, G>A on the plus strand (C>T on the coding strand, the complement: SLCO2A1 is on the minus strand). VCF-style: chr3-133947368-G-A. GRCh37 (hg19) VCF-style: chr3-133666212-G-A.
Other names: short protein forms Q395*.
Identifiers: ClinVar variation 3688289 (VCV003688289.2).
Genomic context (GRCh38, chr3:133,947,368, plus strand): 5'-AAGGAACACAAAGGATCATGGAGATGGTGATGATGGTGGTAGCTATGCGGGGAATGGCTT[G>A]TAGAGAGAAAACAAAGCGCTTCATGAGGATTCCTCCAAACAGCATCCCCAAGGCTGCAGC-3'